The following is an entry in ClinVar:

NM_000051.4(ATM):c.37C>G (p.Arg13Gly)

Gene: ATM (ATM serine/threonine kinase; plus strand). Cytogenetic location: 11q22.3.
Variant type: single nucleotide variant.
Coding change: c.37C>G on transcript NM_000051.4 (MANE Select); coding-DNA position 37, C replaced by G.
Protein change: p.Arg13Gly; replaces arginine 13 with glycine.
Molecular consequence: missense variant.
Genome position (GRCh38, 1-based): chr11:108,227,661, C>G. VCF-style: chr11-108227661-C-G. GRCh37 (hg19) VCF-style: chr11-108098388-C-G.
Other names: c.37C>G, p.Arg13Gly (NM_001351834.2, NM_001351835.2, NM_001351836.2); short protein forms R13G.
Identifiers: ClinVar variation 824233 (VCV000824233.14), dbSNP rs141586345, ClinGen allele CA382519101.

ClinVar aggregate classification (germline): Uncertain significance. Review status: criteria provided, multiple submitters, no conflicts (2 of 4 stars). 2 submissions from 2 submitters: Uncertain significance (2). Last evaluated 2024-04-01.

Conditions:
Hereditary cancer-predisposing syndrome. Also called: Neoplastic Syndromes, Hereditary; Hereditary Cancer Syndrome; Hereditary neoplastic syndrome; Tumor predisposition. Identifiers: Orphanet 140162, MedGen C0027672, MeSH D009386, MONDO:0015356.
Ataxia-telangiectasia syndrome (AT). Also called: ATAXIA-TELANGIECTASIA, COMPLEMENTATION GROUP A; ATAXIA-TELANGIECTASIA, FRESNO VARIANT; Ataxia-telangiectasia, complementation group E; Ataxia telangiectasia (A-T); LOUIS-BAR SYNDROME; Cerebello-oculocutaneous telangiectasia. Identifiers: Orphanet 100, MedGen C0004135, MONDO:0008840, OMIM 208900.

Submissions (2):

Ambry Genetics
Classification: Uncertain significance for Hereditary cancer-predisposing syndrome. Last evaluated: 2024-04-01. Review status: criteria provided, single submitter. Criteria: Ambry Variant Classification Scheme 2023. Collection method: clinical testing. Allele origin: germline.
Comment: The p.R13G variant (also known as c.37C>G), located in coding exon 1 of the ATM gene, results from a C to G substitution at nucleotide position 37. The arginine at codon 13 is replaced by glycine, an amino acid with dissimilar properties. This amino acid position is well conserved in available vertebrate species. In addition, this alteration is predicted to be tolerated by in silico analysis. Since supporting evidence is limited at this time, the clinical significance of this alteration remains unclear.

Labcorp Genetics (formerly Invitae), Labcorp
Classification: Uncertain significance for Ataxia-telangiectasia syndrome. Last evaluated: 2022-08-12. Review status: criteria provided, single submitter. Criteria: Invitae Variant Classification Sherloc (09022015). Collection method: clinical testing. Allele origin: germline.
Comment: This sequence change replaces arginine, which is basic and polar, with glycine, which is neutral and non-polar, at codon 13 of the ATM protein (p.Arg13Gly). This variant has not been reported in the literature in individuals affected with ATM-related conditions. ClinVar contains an entry for this variant (Variation ID: 824233). Advanced modeling of protein sequence and biophysical properties (such as structural, functional, and spatial information, amino acid conservation, physicochemical variation, residue mobility, and thermodynamic stability) performed at Invitae indicates that this missense variant is not expected to disrupt ATM protein function. In summary, the available evidence is currently insufficient to determine the role of this variant in disease. Therefore, it has been classified as a Variant of Uncertain Significance. This variant is not present in population databases (gnomAD no frequency).